The following is an entry in ClinVar:

ClinVar aggregate classification (germline): Uncertain significance. Review status: criteria provided, multiple submitters, no conflicts (2 of 4 stars). 2 submissions from 2 submitters: Uncertain significance (2). Last evaluated 2025-03-19.

Allele frequency attached by ClinVar (database versions not stated): gnomAD exomes 0.00003 and 0.00009; ExAC 0.00009; 1000 Genomes Project 30x 0.00016; 1000 Genomes Project 0.00020; gnomAD 0.00023; TOPMed 0.00027; ESP Exome Variant Server 0.00077.
gnomAD v4.1: 75 of 1,610,400 alleles (0.0047%); highest among the groups gnomAD compares: African/African-American, 0.067%; no homozygotes.

Submissions (2):

Ambry Genetics
Classification: Uncertain significance. Last evaluated: 2025-03-19. Review status: criteria provided, single submitter. Criteria: Ambry Variant Classification Scheme 2023. Collection method: clinical testing. Allele origin: germline.

Labcorp Genetics (formerly Invitae), Labcorp
Classification: Uncertain significance. Last evaluated: 2022-07-12. Review status: criteria provided, single submitter. Criteria: Invitae Variant Classification Sherloc (09022015). Collection method: clinical testing. Allele origin: germline.
Comment: In summary, the available evidence is currently insufficient to determine the role of this variant in disease. Therefore, it has been classified as a Variant of Uncertain Significance. Algorithms developed to predict the effect of missense changes on protein structure and function are either unavailable or do not agree on the potential impact of this missense change (SIFT: "Deleterious"; PolyPhen-2: "Probably Damaging"; Align-GVGD: "Class C0"). ClinVar contains an entry for this variant (Variation ID: 1436176). This variant has not been reported in the literature in individuals affected with DGKZ-related conditions. This variant is present in population databases (rs149145542, gnomAD 0.08%), and has an allele count higher than expected for a pathogenic variant. This sequence change replaces arginine, which is basic and polar, with histidine, which is basic and polar, at codon 436 of the DGKZ protein (p.Arg436His).

NM_001199267.2(DGKZ):c.740G>A (p.Arg247His)

Gene: DGKZ (diacylglycerol kinase zeta; plus strand). Cytogenetic location: 11p11.2.
Variant type: single nucleotide variant.
Coding change: c.740G>A on transcript NM_001199267.2 (MANE Select); coding-DNA position 740, G replaced by A.
Protein change: p.Arg247His; replaces arginine 247 with histidine.
Molecular consequence: missense variant.
Genome position (GRCh38, 1-based): chr11:46,371,587, G>A. VCF-style: chr11-46371587-G-A. GRCh37 (hg19) VCF-style: chr11-46393137-G-A.
Other names: c.1307G>A (NM_001105540.1); c.1307G>A, p.Arg436His (NM_001105540.2); c.743G>A, p.Arg248His (NM_001199266.2, NM_003646.4); c.674G>A, p.Arg225His (NM_001199268.2); c.791G>A, p.Arg264His (NM_201532.3); c.755G>A, p.Arg252His (NM_201533.3); short protein forms R252H, R247H, R436H, R225H, R248H, R264H.
Identifiers: ClinVar variation 1436176 (VCV001436176.8), dbSNP rs149145542, ClinGen allele CA5962580.
Genomic context (GRCh38, chr11:46,371,587, plus strand): 5'-AGGAGCCGTGCTCGCTGGGGGTCCACGCAGCCGTGGTCATCCCGCCCACCTGGATCCTCC[G>A]CGCCCGGAGGCCCCAGGTGAGTACTGCCTGCACCCTTGATGCCCCGTACGCACTTGGGGT-3'
Protein context (NP_001186196.1, residues 237-257): AVVIPPTWIL[Arg247His]ARRPQNTLKA